The following is an entry in ClinVar:

NM_001042492.3(NF1):c.7619C>A (p.Thr2540Lys)

Gene: NF1 (neurofibromin 1; plus strand). Cytogenetic location: 17q11.2.
Variant type: single nucleotide variant.
Coding change: c.7619C>A on transcript NM_001042492.3 (MANE Select); coding-DNA position 7619, C replaced by A.
Protein change: p.Thr2540Lys; replaces threonine 2540 with lysine.
Molecular consequence: missense variant.
Genome position (GRCh38, 1-based): chr17:31,356,463, C>A. VCF-style: chr17-31356463-C-A. GRCh37 (hg19) VCF-style: chr17-29683481-C-A.
Other names: c.7556C>A, p.Thr2519Lys (NM_000267.4); short protein forms T2519K, T2540K.
Identifiers: ClinVar variation 547694 (VCV000547694.11), dbSNP rs1555536633, ClinGen allele CA399017974.

ClinVar aggregate classification (germline): Uncertain significance. Review status: criteria provided, multiple submitters, no conflicts (2 of 4 stars). 4 submissions from 4 submitters: Uncertain significance (4). Last evaluated 2025-12-14.

Conditions:
Hereditary cancer-predisposing syndrome. Also called: Neoplastic Syndromes, Hereditary; Hereditary neoplastic syndrome; Tumor predisposition; Hereditary Cancer Syndrome. Identifiers: Orphanet 140162, MedGen C0027672, MeSH D009386, MONDO:0015356.
Cardiovascular phenotype. Identifiers: MedGen CN230736.
Neurofibromatosis, type 1 (NF1). Also called: NEUROFIBROMATOSIS, TYPE I, SOMATIC; VON RECKLINGHAUSEN DISEASE; Peripheral type neurofibromatosis; Neurofibromatosis, type I. Identifiers: Orphanet 636, MedGen C0027831, MONDO:0018975, OMIM 162200. Disease mechanism: loss of function.

gnomAD v4.1: 2 of 1,613,254 alleles (0.00012%); highest among the groups gnomAD compares: South Asian, 0.0011%; no homozygotes.

Submissions (4):

Labcorp Genetics (formerly Invitae), Labcorp
Classification: Uncertain significance for Neurofibromatosis, type 1. Last evaluated: 2025-12-14. Review status: criteria provided, single submitter. Criteria: Invitae Variant Classification Sherloc (09022015). Collection method: clinical testing. Allele origin: germline.
Comment: This sequence change replaces threonine, which is neutral and polar, with lysine, which is basic and polar, at codon 2519 of the NF1 protein (p.Thr2519Lys). This variant is not present in population databases (gnomAD no frequency). This variant has not been reported in the literature in individuals affected with NF1-related conditions. ClinVar contains an entry for this variant (Variation ID: 547694). Invitae Evidence Modeling of protein sequence and biophysical properties (such as structural, functional, and spatial information, amino acid conservation, physicochemical variation, residue mobility, and thermodynamic stability) indicates that this missense variant is not expected to disrupt NF1 protein function with a negative predictive value of 95%. In summary, the available evidence is currently insufficient to determine the role of this variant in disease. Therefore, it has been classified as a Variant of Uncertain Significance.

Ambry Genetics
Classification: Uncertain significance for Cardiovascular phenotype; Hereditary cancer-predisposing syndrome. Last evaluated: 2025-01-15. Review status: criteria provided, single submitter. Criteria: Ambry Variant Classification Scheme 2023. Collection method: clinical testing. Allele origin: germline.
Comment: The p.T2519K variant (also known as c.7556C>A), located in coding exon 51 of the NF1 gene, results from a C to A substitution at nucleotide position 7556. The threonine at codon 2519 is replaced by lysine, an amino acid with similar properties. This amino acid position is highly conserved in available vertebrate species. In addition, the in silico prediction for this alteration is inconclusive. Based on the available evidence, the clinical significance of this variant remains unclear.

Genome-Nilou Lab
Classification: Uncertain significance for Neurofibromatosis, type 1. Last evaluated: 2022-03-15. Review status: criteria provided, single submitter. Criteria: ACMG Guidelines, 2015. Collection method: clinical testing. Allele origin: germline. Affected: no.

Center for Human Genetics, Inc
Classification: Uncertain significance for Neurofibromatosis, type 1. Last evaluated: 2016-11-01. Review status: criteria provided, single submitter. Criteria: ACMG Guidelines, 2015. Collection method: clinical testing. Allele origin: germline. Affected: yes.